The following is an entry in ClinVar:

NM_002878.4(RAD51D):c.764G>A (p.Arg255Lys)

Genes: RAD51D (RAD51 paralog D; minus strand), RAD51L3-RFFL (RAD51L3-RFFL readthrough; minus strand). Cytogenetic location: 17q12.
Variant type: single nucleotide variant.
Coding change: c.764G>A on transcript NM_002878.4 (MANE Select); coding-DNA position 764, G replaced by A.
Protein change: p.Arg255Lys; replaces arginine 255 with lysine.
Molecular consequence: missense variant. On other transcripts: non-coding transcript variant (3).
Genome position (GRCh38, 1-based): chr17:35,101,340, C>T on the plus strand (G>A on the coding strand, the complement: RAD51D is on the minus strand). VCF-style: chr17-35101340-C-T. GRCh37 (hg19) VCF-style: chr17-33428359-C-T.
Other names: c.824G>A, p.Arg275Lys (NM_001142571.2); c.428G>A, p.Arg143Lys (NM_133629.3); short protein forms R255K, R143K, R275K.
Identifiers: ClinVar variation 482193 (VCV000482193.14), dbSNP rs1056851142, ClinGen allele CA289992954.
Genomic context (GRCh38, chr17:35,101,340, plus strand): 5'-CGAGTGCTGGGCACAAAGCTCCAGGAGCGTCCGAGGGCAGGTTTGAGCCTCCCGCTGTCC[C>T]TGTCTCGAGTTATGTGGTTGGTCACCTGCAGCAGAAACAGACTTACAGATCCATAATGCT-3'
Protein context (NP_002869.3, residues 245-265): VVVTNHITRD[Arg255Lys]DSGRLKPALG

ClinVar aggregate classification (germline): Uncertain significance. Review status: criteria provided, multiple submitters, no conflicts (2 of 4 stars). 5 submissions from 5 submitters: Uncertain significance (5). Last evaluated 2025-09-09.

Conditions:
Breast-ovarian cancer, familial, susceptibility to, 4. Identifiers: Orphanet 145, MedGen C3280345, MONDO:0013669, OMIM 614291.
Hereditary cancer-predisposing syndrome. Also called: Neoplastic Syndromes, Hereditary; Tumor predisposition; Hereditary Cancer Syndrome; Hereditary neoplastic syndrome. Identifiers: Orphanet 140162, MedGen C0027672, MeSH D009386, MONDO:0015356.

Allele frequency attached by ClinVar (database versions not stated): gnomAD exomes below 0.00001 and 0.00001; gnomAD 0.00001; TOPMed 0.00005.
gnomAD v4.1: 3 of 1,613,952 alleles (0.00019%); highest among the groups gnomAD compares: African/African-American, 0.004%; no homozygotes.

Submissions (5):

Labcorp Genetics (formerly Invitae), Labcorp
Classification: Uncertain significance for Breast-ovarian cancer, familial, susceptibility to, 4. Last evaluated: 2025-09-09. Review status: criteria provided, single submitter. Criteria: Invitae Variant Classification Sherloc (09022015). Collection method: clinical testing. Allele origin: germline.
Comment: This sequence change replaces arginine, which is basic and polar, with lysine, which is basic and polar, at codon 255 of the RAD51D protein (p.Arg255Lys). This variant is present in population databases (no rsID available, gnomAD 0.01%). This variant has not been reported in the literature in individuals affected with RAD51D-related conditions. ClinVar contains an entry for this variant (Variation ID: 482193). Invitae Evidence Modeling of protein sequence and biophysical properties (such as structural, functional, and spatial information, amino acid conservation, physicochemical variation, residue mobility, and thermodynamic stability) indicates that this missense variant is not expected to disrupt RAD51D protein function with a negative predictive value of 80%. In summary, the available evidence is currently insufficient to determine the role of this variant in disease. Therefore, it has been classified as a Variant of Uncertain Significance.

Ambry Genetics
Classification: Uncertain significance for Hereditary cancer-predisposing syndrome. Last evaluated: 2024-10-01. Review status: criteria provided, single submitter. Criteria: Ambry Variant Classification Scheme 2023. Collection method: clinical testing. Allele origin: germline.
Comment: The p.R255K variant (also known as c.764G>A), located in coding exon 9 of the RAD51D gene, results from a G to A substitution at nucleotide position 764. The arginine at codon 255 is replaced by lysine, an amino acid with highly similar properties. This amino acid position is well conserved in available vertebrate species. In addition, the in silico prediction for this alteration is inconclusive. Since supporting evidence is limited at this time, the clinical significance of this alteration remains unclear.

Baylor Genetics
Classification: Uncertain significance for Breast-ovarian cancer, familial, susceptibility to, 4. Last evaluated: 2024-03-28. Review status: criteria provided, single submitter. Criteria: ACMG Guidelines, 2015. Collection method: clinical testing. Allele origin: unknown.

GeneDx
Classification: Uncertain significance. Last evaluated: 2023-05-25. Review status: criteria provided, single submitter. Criteria: GeneDx Variant Classification Process June 2021. Collection method: clinical testing. Allele origin: germline. Affected: yes.
Comment: Not observed at significant frequency in large population cohorts (gnomAD); In silico analysis supports that this missense variant does not alter protein structure/function; Has not been previously published as pathogenic or benign to our knowledge; This variant is associated with the following publications: (PMID: 19327148)

Women's Health and Genetics/Laboratory Corporation of America, LabCorp
Classification: Uncertain significance. Last evaluated: 2016-07-15. Review status: criteria provided, single submitter. Criteria: LabCorp Variant Classification Summary - May 2015. Collection method: clinical testing. Allele origin: germline.
Comment: Variant summary: The RAD51D c.764G>A (p.Arg255Lys) variant involves the alteration of a conserved nucleotide. 4/4 in silico tools predict a benign outcome for this variant (SNPs&GO not captured due to low reliability index). This variant is absent in 121128 control chromosomes. The variant of interest has not, to our knowledge, been reported in affected individuals via publications and/or reputable databases/clinical diagnostic laboratories; nor evaluated for functional impact by in vivo/vitro studies. Because of the absence of clinical information and the lack of functional studies, the variant is classified as a variant of uncertain significance (VUS) until additional information becomes available.